The following is an entry in ClinVar:

ClinVar aggregate classification (germline): Uncertain significance (1 of 4 stars; one submission).

Conditions:
Retinoblastoma (RB1). Also called: RETINOBLASTOMA, SOMATIC. Identifiers: Orphanet 790, MedGen C0035335, MeSH D012175, MONDO:0008380, OMIM 180200, HP:0009919. Disease mechanism: loss of function. Inheritance: Both sporadic and heritable forms are tested..

Submission:

Labcorp Genetics (formerly Invitae), Labcorp
Classification: Uncertain significance for Retinoblastoma. Last evaluated: 2025-06-10. Review status: criteria provided, single submitter. Criteria: Invitae Variant Classification Sherloc (09022015). Collection method: clinical testing. Allele origin: germline.
Comment: This variant occurs in a non-coding region of the RB1 gene. It does not change the encoded amino acid sequence of the RB1 protein. This variant is not present in population databases (gnomAD no frequency). This variant has not been reported in the literature in individuals affected with RB1-related conditions. In summary, the available evidence is currently insufficient to determine the role of this variant in disease. Therefore, it has been classified as a Variant of Uncertain Significance.

NM_000321.3(RB1):c.-53G>T

Gene: RB1 (RB transcriptional corepressor 1; plus strand). Cytogenetic location: 13q14.2.
Variant type: single nucleotide variant.
Coding change: c.-53G>T on transcript NM_000321.3 (MANE Select); 53 bases upstream of the start codon, G replaced by T.
Molecular consequence: 5 prime UTR variant.
Genome position (GRCh38, 1-based): chr13:48,303,860, G>T. VCF-style: chr13-48303860-G-T. GRCh37 (hg19) VCF-style: chr13-48877996-G-T.
Other names: c.-53G>T (NM_001407165.1, NM_001407166.1, NM_001407167.1).
Identifiers: ClinVar variation 4721103 (VCV004721103.1).